The following is an entry in ClinVar:

ClinVar aggregate classification (germline): Uncertain significance (1 of 4 stars; one submission).

Conditions:
Neuroferritinopathy (NBIA3). Also called: NEURODEGENERATION WITH BRAIN IRON ACCUMULATION 3; BASAL GANGLIA DISEASE, ADULT-ONSET. Identifiers: Orphanet 157846, MedGen C1853578, MONDO:0011638, OMIM 606159.
Hereditary hyperferritinemia with congenital cataracts. Also called: HYPERFERRITINEMIA WITH OR WITHOUT CATARACT; Hereditary hyperferritinemia cataract syndrome; Bonneau-Beaumont syndrome. Identifiers: Orphanet 163, MedGen C1833213, MONDO:0010952, OMIM 600886.

gnomAD v4.1: 21 of 1,613,514 alleles (0.0013%); highest among the groups gnomAD compares: South Asian, 0.022%; no homozygotes.

Submission:

Labcorp Genetics (formerly Invitae), Labcorp
Classification: Uncertain significance for Neuroferritinopathy; Hereditary hyperferritinemia with congenital cataracts. Last evaluated: 2024-04-01. Review status: criteria provided, single submitter. Criteria: Invitae Variant Classification Sherloc (09022015). Collection method: clinical testing. Allele origin: germline.
Comment: This sequence change replaces alanine, which is neutral and non-polar, with aspartic acid, which is acidic and polar, at codon 27 of the FTL protein (p.Ala27Asp). This variant is present in population databases (rs555604730, gnomAD 0.02%). This variant has not been reported in the literature in individuals affected with FTL-related conditions. An algorithm developed to predict the effect of missense changes on protein structure and function (PolyPhen-2) suggests that this variant is likely to be disruptive. In summary, the available evidence is currently insufficient to determine the role of this variant in disease. Therefore, it has been classified as a Variant of Uncertain Significance.

NM_000146.4(FTL):c.80C>A (p.Ala27Asp)

Genes: FTL (ferritin light chain; plus strand), LOC130064892 (ATAC-STARR-seq lymphoblastoid active region 14919; plus strand). Cytogenetic location: 19q13.33.
Variant type: single nucleotide variant.
Coding change: c.80C>A on transcript NM_000146.4 (MANE Select); coding-DNA position 80, C replaced by A.
Protein change: p.Ala27Asp; replaces alanine 27 with aspartic acid.
Molecular consequence: missense variant.
Genome position (GRCh38, 1-based): chr19:48,965,587, C>A. VCF-style: chr19-48965587-C-A. GRCh37 (hg19) VCF-style: chr19-49468844-C-A.
Other names: short protein forms A27D.
Identifiers: ClinVar variation 3763880 (VCV003763880.2).